The following is an entry in ClinVar:

ClinVar aggregate classification (germline): Uncertain significance. Review status: criteria provided, multiple submitters, no conflicts (2 of 4 stars). 9 submissions from 9 submitters: Uncertain significance (8). 1 of the submissions does not count toward it. Last evaluated 2026-01-10.

Conditions:
Juvenile polyposis syndrome (JPS). Identifiers: Orphanet 2929, MedGen C0345893, MONDO:0017380, OMIM 174900.
Polyposis syndrome, hereditary mixed, 2. Identifiers: Orphanet 157794, MedGen C1864730, MONDO:0012405, OMIM 610069.
Hereditary cancer-predisposing syndrome. Also called: Tumor predisposition; Hereditary Cancer Syndrome; Hereditary neoplastic syndrome; Neoplastic Syndromes, Hereditary. Identifiers: Orphanet 140162, MedGen C0027672, MeSH D009386, MONDO:0015356.

Allele frequency attached by ClinVar (database versions not stated): gnomAD exomes below 0.00001 and 0.00001; TOPMed 0.00001.
gnomAD v4.1: 9 of 1,614,084 alleles (0.00056%); highest among the groups gnomAD compares: Non-Finnish European, 0.00076%; no homozygotes.

Submissions (9):

Labcorp Genetics (formerly Invitae), Labcorp
Classification: Uncertain significance for Juvenile polyposis syndrome. Last evaluated: 2026-01-10. Review status: criteria provided, single submitter. Criteria: Invitae Variant Classification Sherloc (09022015). Collection method: clinical testing. Allele origin: germline.
Comment: This sequence change replaces proline, which is neutral and non-polar, with arginine, which is basic and polar, at codon 57 of the BMPR1A protein (p.Pro57Arg). This variant is present in population databases (no rsID available, gnomAD 0.0009%). This missense change has been observed in individuals with juvenile polyposis (PMID: 14734220, 15235019, 18823382). ClinVar contains an entry for this variant (Variation ID: 371995). Invitae Evidence Modeling incorporating data from in vitro experimental studies (internal data) indicates that this missense variant is not expected to disrupt BMPR1A function with a negative predictive value of 95%. Experimental studies are conflicting or provide insufficient evidence to determine the effect of this variant on BMPR1A function (PMID: 23433720). In summary, the available evidence is currently insufficient to determine the role of this variant in disease. Therefore, it has been classified as a Variant of Uncertain Significance.

Ambry Genetics
Classification: Uncertain significance for Hereditary cancer-predisposing syndrome. Last evaluated: 2025-05-12. Review status: criteria provided, single submitter. Criteria: Ambry Variant Classification Scheme 2023. Collection method: clinical testing. Allele origin: germline.
Comment: The p.P57R variant (also known as c.170C>G), located in coding exon 2 of the BMPR1A gene, results from a C to G substitution at nucleotide position 170. The proline at codon 57 is replaced by arginine, an amino acid with dissimilar properties. This alteration has been reported in several individuals diagnosed with juvenile polyposis syndrome (JPS) (Lynch HT et al. Cancer Genet. Cytogenet., 2004 Jan;148:104-17; Howe JR et al. J. Med. Genet., 2004 Jul;41:484-91; Calva-Cerqueira D et al. Clin. Genet., 2009 Jan;75:79-85; Ambry internal data). However, this variant has been detected in multiple individuals with no reported features of JPS (Ambry internal data). In a functional study, subcellular localization was affected with the majority of protein showing intracellular localization as opposed to wild type BMPR1A, which localized solely to the membrane; however, bone morphogenetic protein signaling measured by a reporter assay was not reduced for BMPR1A p.P57R compared to wild type. (Howe JR et al. J. Surg. Res., 2013 Oct;184:739-45). This amino acid position is well conserved in available vertebrate species. In addition, the in silico prediction for this alteration is inconclusive. Based on the available evidence, the clinical significance of this variant remains unclear.

Quest Diagnostics Nichols Institute San Juan Capistrano
Classification: Uncertain significance. Last evaluated: 2024-03-13. Review status: criteria provided, single submitter. Criteria: Quest Diagnostics criteria. Collection method: clinical testing. Allele origin: unknown.
Comment: The BMPR1A c.170C>G (p.Pro57Arg) variant has been reported in the published literature in affected individuals with juvenile polyposis syndrome (JPS) (PMIDs: 14734220 (2004), 15235019 (2004), and 18823382 (2009)). A functional study found that this variant had an inconclusive impact on protein function (PMID: 23433720 (2013)). The frequency of this variant in the general population, 0.000004 (1/251386 chromosomes (Genome Aggregation Database)), is uninformative in the assessment of its pathogenicity. Analysis of this variant using bioinformatics tools for the prediction of the effect of amino acid changes on protein structure and function yielded conflicting predictions that this variant is deleterious or benign. Based on the available information, we are unable to determine the clinical significance of this variant.

Fulgent Genetics
Classification: Uncertain significance for Juvenile polyposis syndrome; Polyposis syndrome, hereditary mixed, 2. Last evaluated: 2024-02-21. Review status: criteria provided, single submitter. Criteria: ACMG Guidelines, 2015. Collection method: clinical testing. Allele origin: germline.

All of Us Research Program, National Institutes of Health
Classification: Uncertain significance for Juvenile polyposis syndrome. Last evaluated: 2023-11-28. Review status: criteria provided, single submitter. Criteria: ACMG Guidelines, 2015. Collection method: clinical testing. Allele origin: germline. Inheritance: Autosomal dominant inheritance. Observed: 2 variant alleles, 2 heterozygotes.
Comment: This missense variant replaces proline with arginine at codon 57 of the BMPR1A protein. Computational prediction suggests that this variant may not impact protein structure and function (internally defined REVEL score threshold <= 0.5, PMID: 27666373). Splice site prediction tools suggest that this variant may not impact RNA splicing. A functional study reported abnormal subcellular localization of the variant but higher than wild-type level of BMP signaling activity in transfected cell cultures (PMID: 23433720). This variant has been reported in at least one individual affected with sporadic juvenile polyposis (PMID: 15235019, 18823382) and one family affected with juvenile polyposis, including multiple cases of polyposis and two cases of colon cancer (PMID: 14734220). This variant has been identified in 1/251386 chromosomes in the general population by the Genome Aggregation Database (gnomAD). The available evidence is insufficient to determine the role of this variant in disease conclusively. Therefore, this variant is classified as a Variant of Uncertain Significance.

This study involves interpretation of variants in research participants for the purpose of population health screening. Participant phenotype was not available at the time of variant classification. Additional details can be found in publication PMID: 35346344, PMCID: PMC8962531

Color Diagnostics, LLC DBA Color Health
Classification: Uncertain significance for Hereditary cancer-predisposing syndrome. Last evaluated: 2023-09-07. Review status: criteria provided, single submitter. Criteria: ACMG Guidelines, 2015. Collection method: clinical testing. Allele origin: germline.
Comment: This missense variant replaces proline with arginine at codon 57 of the BMPR1A protein. Computational prediction suggests that this variant may not impact protein structure and function (internally defined REVEL score threshold <= 0.5, PMID: 27666373). A functional study reported no decrease in protein expression or bone morphogenetic protein signaling activity, but abnormal sub-cellular localization, compared to wild-type in transfected cell cultures (PMID: 23433720). This variant has been reported in individuals affected with juvenile polyposis syndrome (PMID: 14734220, 15235019, 18823382; ClinVar SCV000581497.6), and in one family with multiple members affected with polyposis and/or colon cancer (PMID: 14734220). This variant has been identified in 1/251386 chromosomes in the general population by the Genome Aggregation Database (gnomAD). The available evidence is insufficient to determine the role of this variant in disease conclusively. Therefore, this variant is classified as a Variant of Uncertain Significance.

Myriad Genetics, Inc.
Classification: Uncertain significance for Juvenile polyposis syndrome. Last evaluated: 2023-03-02. Review status: criteria provided, single submitter. Criteria: Myriad Autosomal Dominant, Autosomal Recessive and X-Linked Classification Criteria (2023). Collection method: clinical testing. Allele origin: unknown.
Comment: This variant is classified as a variant of uncertain significance as there is insufficient evidence to determine its impact on protein function and/or cancer risk.

GeneDx
Classification: Uncertain significance. Last evaluated: 2022-10-03. Review status: criteria provided, single submitter. Criteria: GeneDx Variant Classification Process June 2021. Collection method: clinical testing. Allele origin: germline. Affected: yes.
Comment: Published functional studies are inconclusive: protein expression levels comparable to wild type, increased BMP signaling, and abnormal cellular localization (Howe et al., 2013); Not observed at significant frequency in large population cohorts (gnomAD); In silico analysis supports that this missense variant does not alter protein structure/function; This variant is associated with the following publications: (PMID: 15235019, 18823382, Attard2004[abstract], 33032550, 23433720, 14734220)

Counsyl
Classification: Uncertain significance for Juvenile polyposis syndrome. Last evaluated: 2016-10-11. Review status: no assertion criteria provided. Collection method: clinical testing. Allele origin: unknown. Not counted in ClinVar's aggregate classification.

Literature cited by the submitters: PubMed 14734220 (cited by 5 submitters); PubMed 15235019 (cited by 6 submitters); PubMed 18823382 (cited by 5 submitters); PubMed 23433720 (cited by 6 submitters).

NM_004329.3(BMPR1A):c.170C>G (p.Pro57Arg)

Gene: BMPR1A (bone morphogenetic protein receptor type 1A; plus strand). Cytogenetic location: 10q23.2.
Variant type: single nucleotide variant.
Coding change: c.170C>G on transcript NM_004329.3 (MANE Select); coding-DNA position 170, C replaced by G.
Protein change: p.Pro57Arg; replaces proline 57 with arginine.
Molecular consequence: missense variant.
Genome position (GRCh38, 1-based): chr10:86,890,164, C>G. VCF-style: chr10-86890164-C-G. GRCh37 (hg19) VCF-style: chr10-88649921-C-G.
Other names: short protein forms P57R.
Identifiers: ClinVar variation 371995 (VCV000371995.33), dbSNP rs1057517610, ClinGen allele CA16042120.